The following is an entry in ClinVar:

NM_003872.3(NRP2):c.243C>T (p.His81=)

Gene: NRP2 (neuropilin 2; plus strand). Cytogenetic location: 2q33.3.
Variant type: single nucleotide variant.
Coding change: c.243C>T on transcript NM_003872.3 (MANE Select); coding-DNA position 243, C replaced by T.
Protein change: p.His81=; no amino-acid change (histidine 81 retained).
Molecular consequence: synonymous variant.
Genome position (GRCh38, 1-based): chr2:205,697,713, C>T. VCF-style: chr2-205697713-C-T. GRCh37 (hg19) VCF-style: chr2-206562437-C-T.
Other names: c.243C>T, p.His81= (NM_018534.4, NM_201264.2, NM_201266.2 and 2 more transcripts).
Identifiers: ClinVar variation 3357907 (VCV003357907.1).
Genomic context (GRCh38, chr2:205,697,713, plus strand): 5'-CCCCGAACCCAACCAGAAGATTGTCCTCAACTTCAACCCTCACTTTGAAATCGAGAAGCA[C>T]GACTGCAAGTAAGCACCGTCCTGTCCCACTGTGTATCCCATCCATGAGATGCACACGCCC-3'
Protein context (NP_003863.2, residues 71-91): NFNPHFEIEK[His81=]DCKYDFIEIR

ClinVar aggregate classification (germline): Likely benign (0 of 4 stars; one submission).

Conditions:
NRP2-related disorder. Also called: NRP2-related condition.

gnomAD v4.1: 15 of 1,613,866 alleles (0.00093%); highest among the groups gnomAD compares: Admixed American, 0.0033%; no homozygotes.

Submission:

PreventionGenetics, part of Exact Sciences
Classification: Likely benign for NRP2-related condition. Last evaluated: 2021-07-09. Review status: no assertion criteria provided. Collection method: clinical testing. Allele origin: germline.
Comment: This variant is classified as likely benign based on ACMG/AMP sequence variant interpretation guidelines (Richards et al. 2015 PMID: 25741868, with internal and published modifications).